The following is an entry in ClinVar:

ClinVar aggregate classification (germline): Pathogenic/Likely pathogenic. Review status: criteria provided, multiple submitters, no conflicts (2 of 4 stars). 4 submissions from 4 submitters: Pathogenic (1); Likely pathogenic (3). Last evaluated 2025-02-25.

Conditions:
Autosomal recessive polycystic kidney disease (ARPKD). Also called: AR polycystic kidney disease. Identifiers: Orphanet 731, Orphanet 8378, MedGen C0085548, MeSH D017044, MONDO:0009889.
Polycystic kidney disease 4 (PKD4). Also called: POLYCYSTIC KIDNEY AND HEPATIC DISEASE 1; POLYCYSTIC KIDNEY DISEASE, INFANTILE, TYPE I; PKD3; POLYCYSTIC KIDNEY DISEASE 4 WITH OR WITHOUT POLYCYSTIC LIVER DISEASE; Autosomal Recessive Polycystic Kidney Disease – PKHD1. Identifiers: MedGen C4540575, MONDO:0033004, OMIM 263200.

Allele frequency attached by ClinVar (database versions not stated): ExAC 0.00001; gnomAD exomes 0.00001.
gnomAD v4.1: 7 of 1,614,162 alleles (0.00043%); highest among the groups gnomAD compares: East Asian, 0.016%; no homozygotes.

Submissions (4):

Natera, Inc.
Classification: Pathogenic for Autosomal recessive polycystic kidney disease. Last evaluated: 2025-02-25. Review status: criteria provided, single submitter. Criteria: Natera Variant Classification Schema (03/2026). Collection method: clinical testing. Allele origin: germline.
Comment: The c.5174G>C variant in PKHD1 is a missense variant predicted to cause substitution of tryptophan to serine at amino acid 1725. This variant is rare in the general population with a frequency below the threshold expected for the associated phenotype(s). This variant has been observed in one or more individuals affected with the associated recessive disease, as either homozygous or compound heterozygous with a second variant (PMID: 32901917, 34536170). Computational prediction algorithms indicate this variant is likely to affect gene or protein function. Given the available evidence, this variant is classified as Pathogenic.

Fulgent Genetics
Classification: Likely pathogenic for Polycystic kidney disease 4. Last evaluated: 2024-02-29. Review status: criteria provided, single submitter. Criteria: ACMG Guidelines, 2015. Collection method: clinical testing. Allele origin: germline.

3billion
Classification: Likely pathogenic for Polycystic kidney disease 4. Last evaluated: 2024-02-18. Review status: criteria provided, single submitter. Criteria: ACMG Guidelines, 2015. Collection method: clinical testing. Allele origin: germline. Affected: yes.
Comment: The variant is observed at an extremely low frequency in the gnomAD v2.1.1 dataset (total allele frequency: <0.001%). Predicted Consequence/Location: The majority of the known disease-causing variants of this gene are variants expected to result in premature termination of the protein. In silico tool predictions suggest damaging effect of the variant on gene or gene product [REVEL: 0.69 (>=0.6, sensitivity 0.68 and specificity 0.92); 3Cnet: 0.87 (>=0.6, sensitivity 0.72 and precision 0.9)]. Same nucleotide change resulting in same amino acid change has been previously reported as pathogenic/likely pathogenic with strong evidence (ClinVar ID: VCV002444187 /PMID: 32901917 /3billion dataset). The variant has been reported to be in trans with a pathogenic variant as either compound heterozygous or homozygous in at least one similarly affected unrelated individual (3billion dataset). Therefore, this variant is classified as Likely pathogenic according to the recommendation of ACMG/AMP guideline.

Labcorp Genetics (formerly Invitae), Labcorp
Classification: Likely pathogenic for Autosomal recessive polycystic kidney disease. Last evaluated: 2024-01-08. Review status: criteria provided, single submitter. Criteria: Invitae Variant Classification Sherloc (09022015). Collection method: clinical testing. Allele origin: germline.
Comment: This sequence change replaces tryptophan, which is neutral and slightly polar, with serine, which is neutral and polar, at codon 1725 of the PKHD1 protein (p.Trp1725Ser). This variant is present in population databases (rs761046498, gnomAD 0.01%). This missense change has been observed in individual(s) with polycystic kidney disease (PMID: 32901917, 34536170). In at least one individual the data is consistent with being in trans (on the opposite chromosome) from a pathogenic variant. ClinVar contains an entry for this variant (Variation ID: 2444187). Advanced modeling of protein sequence and biophysical properties (such as structural, functional, and spatial information, amino acid conservation, physicochemical variation, residue mobility, and thermodynamic stability) performed at Invitae indicates that this missense variant is expected to disrupt PKHD1 protein function with a positive predictive value of 95%. In summary, the currently available evidence indicates that the variant is pathogenic, but additional data are needed to prove that conclusively. Therefore, this variant has been classified as Likely Pathogenic.

Literature cited by the submitters: PubMed 32901917 (cited by 3 submitters); PubMed 34536170 (cited by Natera, Inc. and Labcorp Genetics (formerly Invitae), Labcorp).

NM_138694.4(PKHD1):c.5174G>C (p.Trp1725Ser)

Genes: PKHD1 (PKHD1 ciliary IPT domain containing fibrocystin/polyductin; minus strand), LOC126859690 (MED14-independent group 3 enhancer GRCh37_chr6:51888848-51890047; plus strand). Cytogenetic location: 6p12.2.
Variant type: single nucleotide variant.
Coding change: c.5174G>C on transcript NM_138694.4 (MANE Select); coding-DNA position 5174, G replaced by C.
Protein change: p.Trp1725Ser; replaces tryptophan 1725 with serine.
Molecular consequence: missense variant.
Genome position (GRCh38, 1-based): chr6:52,024,636, C>G on the plus strand (G>C on the coding strand, the complement: PKHD1 is on the minus strand). VCF-style: chr6-52024636-C-G. GRCh37 (hg19) VCF-style: chr6-51889434-C-G.
Other names: c.5174G>C, p.Trp1725Ser (NM_170724.3); c.5174G>C (NM_138694.3); short protein forms W1725S.
Identifiers: ClinVar variation 2444187 (VCV002444187.11), dbSNP rs761046498, ClinGen allele CA3852596.